The following is an entry in ClinVar:

NM_194277.3(FRMD7):c.646-1G>A

Gene: FRMD7 (FERM domain containing 7; minus strand). Cytogenetic location: Xq26.2.
Variant type: single nucleotide variant.
Coding change: c.646-1G>A on transcript NM_194277.3 (MANE Select); the canonical splice acceptor site of the intron before coding-DNA position 646, G replaced by A.
Molecular consequence: splice acceptor variant.
Genome position (GRCh38, 1-based): chrX:132,084,586, C>T on the plus strand (G>A on the coding strand, the complement: FRMD7 is on the minus strand). VCF-style: chrX-132084586-C-T. GRCh37 (hg19) VCF-style: chrX-131218614-C-T.
Other names: c.601-1G>A (NM_001306193.2).
Identifiers: ClinVar variation 2090217 (VCV002090217.4), dbSNP rs1413052728, ClinGen allele CA414680927.

ClinVar aggregate classification (germline): Likely pathogenic (1 of 4 stars; one submission).

Allele frequency attached by ClinVar (database versions not stated): gnomAD exomes below 0.00001; TOPMed below 0.00001.
gnomAD v4.1: 2 of 1,089,981 alleles (0.00018%); highest among the groups gnomAD compares: East Asian, 0.003%; no homozygotes.

Submission:

Labcorp Genetics (formerly Invitae), Labcorp
Classification: Likely pathogenic. Last evaluated: 2024-04-22. Review status: criteria provided, single submitter. Criteria: Invitae Variant Classification Sherloc (09022015). Collection method: clinical testing. Allele origin: germline.
Comment: This sequence change affects an acceptor splice site in intron 7 of the FRMD7 gene. It is expected to disrupt RNA splicing. Variants that disrupt the donor or acceptor splice site typically lead to a loss of protein function (PMID: 16199547), and loss-of-function variants in FRMD7 are known to be pathogenic (PMID: 17013395). This variant is present in population databases (no rsID available, gnomAD 0.008%). This variant has not been reported in the literature in individuals affected with FRMD7-related conditions. ClinVar contains an entry for this variant (Variation ID: 2090217). Algorithms developed to predict the effect of sequence changes on RNA splicing suggest that this variant may disrupt the consensus splice site. In summary, the currently available evidence indicates that the variant is pathogenic, but additional data are needed to prove that conclusively. Therefore, this variant has been classified as Likely Pathogenic.

Literature cited by the submitters: PubMed 16199547; PubMed 17013395.